The following is an entry in ClinVar:

ClinVar aggregate classification (germline): Uncertain significance (1 of 4 stars; one submission).

Conditions:
Noonan syndrome 9 (NS9). Identifiers: Orphanet 648, MedGen C4225282, MONDO:0014691, OMIM 616559.

Allele frequency attached by ClinVar (database versions not stated): gnomAD 0.00001.

Submission:

Labcorp Genetics (formerly Invitae), Labcorp
Classification: Uncertain significance for Noonan syndrome 9. Last evaluated: 2025-06-12. Review status: criteria provided, single submitter. Criteria: Invitae Variant Classification Sherloc (09022015). Collection method: clinical testing. Allele origin: germline.
Comment: This sequence change creates a premature translational stop signal (p.Phe11Leufs*41) in the SOS2 gene. It is expected to result in an absent or disrupted protein product. However, the current clinical and genetic evidence is not sufficient to establish whether loss-of-function variants in SOS2 cause disease. This variant is not present in population databases (gnomAD no frequency). This variant has not been reported in the literature in individuals affected with SOS2-related conditions. ClinVar contains an entry for this variant (Variation ID: 2804927). In summary, the available evidence is currently insufficient to determine the role of this variant in disease. Therefore, it has been classified as a Variant of Uncertain Significance.

NM_006939.4(SOS2):c.33del (p.Phe11fs)

Genes: SOS2 (SOS Ras/Rho guanine nucleotide exchange factor 2; minus strand), LOC130055588 (ATAC-STARR-seq lymphoblastoid silent region 5718; plus strand). Cytogenetic location: 14q21.3.
Variant type: Deletion.
Coding change: c.33del on transcript NM_006939.4 (MANE Select); coding-DNA position 33, one base deleted (C; older notation c.33delC).
Protein change: p.Phe11fs; shifts the reading frame from phenylalanine 11.
Molecular consequence: frameshift variant.
Genome position (GRCh38, 1-based): chr14:50,231,251, G deleted on the plus strand (C on the coding strand, the reverse complement: SOS2 is on the minus strand). VCF-style (leftmost placement, unchanged base first): chr14-50231250-TG-T. GRCh37 (hg19) VCF-style: chr14-50697968-TG-T.
Other names: c.33del, p.Phe11fs (NM_001411020.1); short protein forms F11fs.
Identifiers: ClinVar variation 2804927 (VCV002804927.3), dbSNP rs2503347068, ClinGen allele CA2592840519.